The following is an entry in ClinVar:

ClinVar aggregate classification (germline): Uncertain significance (1 of 4 stars; one submission).

Conditions:
Hereditary cancer-predisposing syndrome. Also called: Neoplastic Syndromes, Hereditary; Tumor predisposition; Hereditary Cancer Syndrome; Hereditary neoplastic syndrome. Identifiers: Orphanet 140162, MedGen C0027672, MeSH D009386, MONDO:0015356.

Submission:

Ambry Genetics
Classification: Uncertain significance for Hereditary cancer-predisposing syndrome. Last evaluated: 2026-02-21. Review status: criteria provided, single submitter. Criteria: Ambry Variant Classification Scheme 2023. Collection method: clinical testing. Allele origin: germline.
Comment: The p.H384L variant (also known as c.1151A>T), located in coding exon 8 of the PTCH1 gene, results from an A to T substitution at nucleotide position 1151. The histidine at codon 384 is replaced by leucine, an amino acid with similar properties. This amino acid position is conserved. In addition, this alteration is predicted to be deleterious by in silico analysis. Based on the available evidence, the clinical significance of this variant remains unclear.

NM_000264.5(PTCH1):c.1151A>T (p.His384Leu)

Gene: PTCH1 (patched 1; minus strand). Cytogenetic location: 9q22.32.
Variant type: single nucleotide variant.
Coding change: c.1151A>T on transcript NM_000264.5 (MANE Select); coding-DNA position 1151, A replaced by T.
Protein change: p.His384Leu; replaces histidine 384 with leucine.
Molecular consequence: missense variant. On other transcripts: non-coding transcript variant (1).
Genome position (GRCh38, 1-based): chr9:95,479,064, T>A on the plus strand (A>T on the coding strand, the complement: PTCH1 is on the minus strand). VCF-style: chr9-95479064-T-A. GRCh37 (hg19) VCF-style: chr9-98241346-T-A.
Other names: c.953A>T, p.His318Leu (NM_001083602.3); c.1148A>T, p.His383Leu (NM_001083603.3); c.698A>T, p.His233Leu (NM_001083604.3, NM_001083605.3, NM_001083606.3 and 1 more transcripts); c.1151A>T, p.His384Leu (NM_001354918.2); short protein forms H318L, H383L, H384L, H233L.
Identifiers: ClinVar variation 4845085 (VCV004845085.1).